The following is an entry in ClinVar:

ClinVar aggregate classification (germline): Uncertain significance (1 of 4 stars; one submission).

Conditions:
Wilson disease (WND). Also called: Wilson's disease. Identifiers: Orphanet 905, MedGen C0019202, MONDO:0010200, OMIM 277900. Disease mechanism: loss of function.

Submission:

Color Diagnostics, LLC DBA Color Health
Classification: Uncertain significance for Wilson disease. Last evaluated: 2025-07-07. Review status: criteria provided, single submitter. Criteria: ACMG Guidelines, 2015. Collection method: clinical testing. Allele origin: germline.
Comment: This missense variant replaces glutamine with leucine at codon 4 of the ATP7B protein. Computational prediction suggests that this variant may not impact protein structure and function. To our knowledge, functional studies have not been reported for this variant. This variant has not been reported in individuals affected with ATP7B-related disorders in the literature. This variant has not been identified in the general population by the Genome Aggregation Database (gnomAD). The available evidence is insufficient to determine the role of this variant in disease conclusively. Therefore, this variant is classified as a Variant of Uncertain Significance.

NM_000053.4(ATP7B):c.11A>T (p.Gln4Leu)

Gene: ATP7B (ATPase copper transporting beta; minus strand). Cytogenetic location: 13q14.3.
Variant type: single nucleotide variant.
Coding change: c.11A>T on transcript NM_000053.4 (MANE Select); coding-DNA position 11, A replaced by T.
Protein change: p.Gln4Leu; replaces glutamine 4 with leucine.
Molecular consequence: missense variant. On other transcripts: 5 prime UTR variant (3).
Genome position (GRCh38, 1-based): chr13:52,011,327, T>A on the plus strand (A>T on the coding strand, the complement: ATP7B is on the minus strand). VCF-style: chr13-52011327-T-A. GRCh37 (hg19) VCF-style: chr13-52585463-T-A.
Other names: c.11A>T, p.Gln4Leu (NM_001406516.1, NM_001406519.1, NM_001406524.1 and 30 more transcripts); c.-177A>T (NM_001406518.1); c.-119A>T (NM_001406539.1, NM_001406543.1); short protein forms Q4L.
Identifiers: ClinVar variation 4757610 (VCV004757610.1).